The following is an entry in ClinVar:

NM_030973.4(MED25):c.23C>A (p.Pro8Gln)

Gene: MED25 (mediator complex subunit 25; plus strand). Cytogenetic location: 19q13.33.
Variant type: single nucleotide variant.
Coding change: c.23C>A on transcript NM_030973.4 (MANE Select); coding-DNA position 23, C replaced by A.
Protein change: p.Pro8Gln; replaces proline 8 with glutamine.
Molecular consequence: missense variant.
Genome position (GRCh38, 1-based): chr19:49,818,364, C>A. VCF-style: chr19-49818364-C-A. GRCh37 (hg19) VCF-style: chr19-50321621-C-A.
Other names: c.23C>A, p.Pro8Gln (NM_001378355.1); short protein forms P8Q.
Identifiers: ClinVar variation 452222 (VCV000452222.2), dbSNP rs980805046, ClinGen allele CA406908268.

ClinVar aggregate classification (germline): Uncertain significance (1 of 4 stars; one submission).

gnomAD v4.1: 4 of 1,605,564 alleles (0.00025%); highest among the groups gnomAD compares: Non-Finnish European, 0.00034%; no homozygotes.

Submission:

GeneDx
Classification: Uncertain significance. Last evaluated: 2017-09-29. Review status: criteria provided, single submitter. Criteria: GeneDx Variant Classification (06012015). Collection method: clinical testing. Allele origin: germline. Affected: yes.
Comment: The P8Q variant in the MED25 gene has not been reported previously as a pathogenic variant, nor as a benign variant, to our knowledge. The P8Q variant is not observed in large population cohorts (Lek et al., 2016). The P8Q variant is a non-conservative amino acid substitution, which is likely to impact secondary protein structure as these residues differ in polarity, charge, size and/or other properties. However, this substitution occurs at a position that is not conserved, and in silico analysis is inconsistent in its predictions as to whether or not the variant is damaging to the protein structure/function. We interpret P8Q as a variant of uncertain significance.